The following is an entry in ClinVar:

ClinVar aggregate classification (germline): Conflicting classifications of pathogenicity. Review status: criteria provided, conflicting classifications (1 of 4 stars). 2 submissions from 2 submitters: Likely pathogenic (1); Uncertain significance (1). Last evaluated 2024-07-17.

Conditions:
Hereditary cancer-predisposing syndrome. Also called: Hereditary Cancer Syndrome; Neoplastic Syndromes, Hereditary; Tumor predisposition; Hereditary neoplastic syndrome. Identifiers: Orphanet 140162, MedGen C0027672, MeSH D009386, MONDO:0015356.
Ataxia-telangiectasia syndrome (AT). Also called: Cerebello-oculocutaneous telangiectasia; Immunodeficiency with ataxia telangiectasia; Ataxia-telangiectasia, complementation group E; Ataxia-telangiectasia, complementation group D; AT, COMPLEMENTATION GROUP C; ATAXIA-TELANGIECTASIA, COMPLEMENTATION GROUP A. Identifiers: Orphanet 100, MedGen C0004135, MONDO:0008840, OMIM 208900.

Submissions (2):

Labcorp Genetics (formerly Invitae), Labcorp
Classification: Uncertain significance for Ataxia-telangiectasia syndrome. Last evaluated: 2024-07-17. Review status: criteria provided, single submitter. Criteria: Invitae Variant Classification Sherloc (09022015). Collection method: clinical testing. Allele origin: germline.
Comment: This sequence change replaces glutamine, which is neutral and polar, with proline, which is neutral and non-polar, at codon 2297 of the ATM protein (p.Gln2297Pro). This variant is not present in population databases (gnomAD no frequency). This missense change has been observed in individual(s) with ataxia-telangiectasia (PMID: 17376192). In at least one individual the data is consistent with being in trans (on the opposite chromosome) from a pathogenic variant. ClinVar contains an entry for this variant (Variation ID: 567255). An algorithm developed to predict the effect of missense changes on protein structure and function (PolyPhen-2) suggests that this variant is likely to be disruptive. In summary, the available evidence is currently insufficient to determine the role of this variant in disease. Therefore, it has been classified as a Variant of Uncertain Significance.

Ambry Genetics
Classification: Likely pathogenic for Hereditary cancer-predisposing syndrome. Last evaluated: 2022-12-16. Review status: criteria provided, single submitter. Criteria: Ambry Variant Classification Scheme 2023. Collection method: clinical testing. Allele origin: germline.
Comment: The p.Q2297P variant (also known as c.6890A>C), located in coding exon 46 of the ATM gene, results from an A to C substitution at nucleotide position 6890. The glutamine at codon 2297 is replaced by proline, an amino acid with similar properties. Internal structural analysis indicates this alteration is moderately disruptive to the FAT domain (Ambry internal data). This amino acid position is highly conserved in available vertebrate species. In addition, the in silico prediction for this alteration is inconclusive. This variant is considered to be rare based on population cohorts in the Genome Aggregation Database (gnomAD). Based on the majority of available evidence to date, this variant is likely to be pathogenic.

Literature cited by the submitters: PubMed 17376192 (cited by Labcorp Genetics (formerly Invitae), Labcorp); PubMed 15196260 (cited by Ambry Genetics).

NM_000051.4(ATM):c.6890A>C (p.Gln2297Pro)

Genes: ATM (ATM serine/threonine kinase; plus strand), C11orf65 (chromosome 11 open reading frame 65; minus strand). Cytogenetic location: 11q22.3.
Variant type: single nucleotide variant.
Coding change: c.6890A>C on transcript NM_000051.4 (MANE Select); coding-DNA position 6890, A replaced by C.
Protein change: p.Gln2297Pro; replaces glutamine 2297 with proline.
Molecular consequence: missense variant. On other transcripts: intron variant (2).
Genome position (GRCh38, 1-based): chr11:108,326,140, A>C. VCF-style: chr11-108326140-A-C. GRCh37 (hg19) VCF-style: chr11-108196867-A-C.
Other names: c.6890A>C, p.Gln2297Pro (NM_001351834.2); c.641-17069T>G (NM_001330368.2); c.*38+9080T>G (NM_001351110.2); short protein forms Q2297P.
Identifiers: ClinVar variation 567255 (VCV000567255.12), dbSNP rs1565520560, ClinGen allele CA382556879.